The following is an entry in ClinVar:

ClinVar aggregate classification (germline): not provided (0 of 4 stars; one submission).

Allele frequency attached by ClinVar (database versions not stated): 1000 Genomes Project 0.00060; 1000 Genomes Project 30x 0.00078; gnomAD 0.00156 and 0.00165; TOPMed 0.00159.
gnomAD v4.1: 235 of 152,332 alleles (0.15%); highest among the groups gnomAD compares: African/African-American, 0.54%; 1 homozygote.

Submission:

Human Evolutionary Genetics, Institut Pasteur
No classification provided. Review status: no classification provided. Collection method: not provided. Allele origin: germline.
ClinVar note: Converted during submission from untested to not provided.

NM_001384950.1(NLRC5):c.424+238C>T

Gene: NLRC5 (NLR family CARD domain containing 5; plus strand). Cytogenetic location: 16q13.
Variant type: single nucleotide variant.
Coding change: c.424+238C>T on transcript NM_001384950.1 (MANE Select); 238 bases into the intron after coding-DNA position 424, C replaced by T.
Molecular consequence: intron variant.
Genome position (GRCh38, 1-based): chr16:57,024,091, C>T. VCF-style: chr16-57024091-C-T. GRCh37 (hg19) VCF-style: chr16-57058003-C-T.
Other names: c.424+238C>T (NM_001384954.1, NM_001384953.1, NM_001384957.1 and 22 more transcripts).
Identifiers: ClinVar variation 103191 (VCV000103191.2), dbSNP rs199475970, ClinGen allele CA230239.
Genomic context (GRCh38, chr16:57,024,091, plus strand): 5'-CTGGCAGCGAAGGGGCTCCCCACCCATCTGGCTGCATGGGGACTTCTCTGAAGAGGGCTC[C>T]GCTGAAGGAGCTGGAAGCACCATACAGGTCTCAGCTTCGCTGTCCAGGCTTTTCCAGGGA-3'